The following is an entry in ClinVar:

NM_001170700.3(DTHD1):c.2324C>T (p.Pro775Leu)

Gene: DTHD1 (death domain containing 1; plus strand). Cytogenetic location: 4p14.
Variant type: single nucleotide variant.
Coding change: c.2324C>T on transcript NM_001170700.3 (MANE Select); coding-DNA position 2324, C replaced by T.
Protein change: p.Pro775Leu; replaces proline 775 with leucine.
Molecular consequence: missense variant. On other transcripts: non-coding transcript variant (2).
Genome position (GRCh38, 1-based): chr4:36,316,470, C>T. VCF-style: chr4-36316470-C-T. GRCh37 (hg19) VCF-style: chr4-36318092-C-T.
Other names: c.1454C>T, p.Pro485Leu (NM_001136536.5); c.1391C>T, p.Pro464Leu (NM_001378435.1); short protein forms P485L, P775L, P464L.
Identifiers: ClinVar variation 2116973 (VCV002116973.4), dbSNP rs1757743527, ClinGen allele CA356681815.

ClinVar aggregate classification (germline): Uncertain significance (1 of 4 stars; one submission).

Allele frequency attached by ClinVar (database versions not stated): TOPMed below 0.00001.
gnomAD v4.1: 1 of 1,548,706 alleles (0.000065%); no homozygotes.

Submission:

Labcorp Genetics (formerly Invitae), Labcorp
Classification: Uncertain significance. Last evaluated: 2026-01-26. Review status: criteria provided, single submitter. Criteria: Invitae Variant Classification Sherloc (09022015). Collection method: clinical testing. Allele origin: germline.
Comment: This sequence change replaces proline, which is neutral and non-polar, with leucine, which is neutral and non-polar, at codon 485 of the DTHD1 protein (p.Pro485Leu). This variant is not present in population databases (gnomAD no frequency). This variant has not been reported in the literature in individuals affected with DTHD1-related conditions. ClinVar contains an entry for this variant (Variation ID: 2116973). An algorithm developed to predict the effect of missense changes on protein structure and function (PolyPhen-2) suggests that this variant is likely to be tolerated. In summary, the available evidence is currently insufficient to determine the role of this variant in disease. Therefore, it has been classified as a Variant of Uncertain Significance.